The following is an entry in ClinVar:

ClinVar aggregate classification (germline): Conflicting classifications of pathogenicity. Review status: criteria provided, conflicting classifications (1 of 4 stars). 4 submissions from 4 submitters: Likely pathogenic (1); Uncertain significance (3). Last evaluated 2025-03-13.

Conditions:
Autosomal recessive osteopetrosis 4. Also called: infantile malignant CLCN7-related recessive osteopetrosis; CLCN7-Related Osteopetrosis. Identifiers: Orphanet 667, MedGen C1969106, MONDO:0012676, OMIM 611490.
Osteopetrosis. Identifiers: Orphanet 2781, MedGen C0029454, MONDO:0017198, HP:0011002.

Allele frequency attached by ClinVar (database versions not stated): gnomAD below 0.00001 and 0.00001; gnomAD exomes below 0.00001.

Submissions (4):

3billion
Classification: Likely pathogenic for Autosomal recessive osteopetrosis 4. Last evaluated: 2025-03-13. Review status: criteria provided, single submitter. Criteria: ACMG Guidelines, 2015. Collection method: clinical testing. Allele origin: germline. Affected: yes.

GeneDx
Classification: Uncertain significance. Last evaluated: 2024-01-05. Review status: criteria provided, single submitter. Criteria: GeneDx Variant Classification Process June 2021. Collection method: clinical testing. Allele origin: germline. Affected: yes.
Comment: Not observed at significant frequency in large population cohorts (gnomAD); In silico analysis supports that this missense variant has a deleterious effect on protein structure/function; This variant is associated with the following publications: (PMID: 35159175, 25410126)

Labcorp Genetics (formerly Invitae), Labcorp
Classification: Uncertain significance. Last evaluated: 2022-06-12. Review status: criteria provided, single submitter. Criteria: Invitae Variant Classification Sherloc (09022015). Collection method: clinical testing. Allele origin: germline.
Comment: In summary, the available evidence is currently insufficient to determine the role of this variant in disease. Therefore, it has been classified as a Variant of Uncertain Significance. Advanced modeling of protein sequence and biophysical properties (such as structural, functional, and spatial information, amino acid conservation, physicochemical variation, residue mobility, and thermodynamic stability) performed at Invitae indicates that this missense variant is expected to disrupt CLCN7 protein function. ClinVar contains an entry for this variant (Variation ID: 887536). This missense change has been observed in individual(s) with autosomal recessive osteopetrosis (PMID: 25410126). This variant is not present in population databases (gnomAD no frequency). This sequence change replaces arginine, which is basic and polar, with cysteine, which is neutral and slightly polar, at codon 280 of the CLCN7 protein (p.Arg280Cys).

Illumina Laboratory Services, Illumina
Classification: Uncertain significance for Osteopetrosis. Last evaluated: 2017-04-27. Review status: criteria provided, single submitter. Criteria: ICSL Variant Classification Criteria 13 December 2019. Collection method: clinical testing. Allele origin: germline.

Literature cited by the submitters: PubMed 25410126 (cited by 3billion and Labcorp Genetics (formerly Invitae), Labcorp).

NM_001287.6(CLCN7):c.838C>T (p.Arg280Cys)

Gene: CLCN7 (Cl-/H+ antiporter 7; minus strand). Cytogenetic location: 16p13.3.
Variant type: single nucleotide variant.
Coding change: c.838C>T on transcript NM_001287.6 (MANE Select); coding-DNA position 838, C replaced by T.
Protein change: p.Arg280Cys; replaces arginine 280 with cysteine.
Molecular consequence: missense variant.
Genome position (GRCh38, 1-based): chr16:1,456,191, G>A on the plus strand (C>T on the coding strand, the complement: CLCN7 is on the minus strand). VCF-style: chr16-1456191-G-A. GRCh37 (hg19) VCF-style: chr16-1506192-G-A.
Other names: c.766C>T, p.Arg256Cys (NM_001114331.3); short protein forms R256C, R280C.
Identifiers: ClinVar variation 887536 (VCV000887536.10), dbSNP rs1395527274, ClinGen allele CA394190459.